The following is an entry in ClinVar:

NM_004168.4(SDHA):c.173T>G (p.Val58Gly)

Gene: SDHA (succinate dehydrogenase complex flavoprotein subunit A; plus strand). Cytogenetic location: 5p15.33.
Variant type: single nucleotide variant.
Coding change: c.173T>G on transcript NM_004168.4 (MANE Select); coding-DNA position 173, T replaced by G.
Protein change: p.Val58Gly; replaces valine 58 with glycine.
Molecular consequence: missense variant.
Genome position (GRCh38, 1-based): chr5:224,382, T>G. VCF-style: chr5-224382-T-G. GRCh37 (hg19) VCF-style: chr5-224497-T-G.
Other names: c.173T>G, p.Val58Gly (NM_001294332.2, NM_001330758.2); short protein forms V58G.
Identifiers: ClinVar variation 1385901 (VCV001385901.11), dbSNP rs2126542426, ClinGen allele CA359008415.

ClinVar aggregate classification (germline): Uncertain significance. Review status: criteria provided, multiple submitters, no conflicts (2 of 4 stars). 2 submissions from 2 submitters: Uncertain significance (2). Last evaluated 2025-12-02.

Conditions:
Mitochondrial complex II deficiency, nuclear type 1. Also called: SUCCINATE CoQ REDUCTASE DEFICIENCY. Identifiers: Orphanet 3208, MedGen C5700310, MONDO:0100294, OMIM 252011.
Pheochromocytoma/paraganglioma syndrome 5. Also called: Paragangliomas 5; SDHA-Related Hereditary Paraganglioma-Pheochromocytoma Syndrome. Identifiers: Orphanet 29072, MedGen C3279992, MONDO:0013602, OMIM 614165.
Hereditary cancer-predisposing syndrome. Also called: Tumor predisposition; Hereditary Cancer Syndrome; Hereditary neoplastic syndrome; Neoplastic Syndromes, Hereditary. Identifiers: Orphanet 140162, MedGen C0027672, MeSH D009386, MONDO:0015356.

Submissions (2):

Labcorp Genetics (formerly Invitae), Labcorp
Classification: Uncertain significance for Pheochromocytoma/paraganglioma syndrome 5; Mitochondrial complex II deficiency, nuclear type 1. Last evaluated: 2025-12-02. Review status: criteria provided, single submitter. Criteria: Invitae Variant Classification Sherloc (09022015). Collection method: clinical testing. Allele origin: germline.
Comment: This sequence change replaces valine, which is neutral and non-polar, with glycine, which is neutral and non-polar, at codon 58 of the SDHA protein (p.Val58Gly). This variant is not present in population databases (gnomAD no frequency). This variant has not been reported in the literature in individuals affected with SDHA-related conditions. ClinVar contains an entry for this variant (Variation ID: 1385901). Invitae Evidence Modeling of protein sequence and biophysical properties (such as structural, functional, and spatial information, amino acid conservation, physicochemical variation, residue mobility, and thermodynamic stability) indicates that this missense variant is not expected to disrupt SDHA protein function with a negative predictive value of 95%. In summary, the available evidence is currently insufficient to determine the role of this variant in disease. Therefore, it has been classified as a Variant of Uncertain Significance.

Ambry Genetics
Classification: Uncertain significance for Hereditary cancer-predisposing syndrome. Last evaluated: 2025-03-08. Review status: criteria provided, single submitter. Criteria: Ambry Variant Classification Scheme 2023. Collection method: clinical testing. Allele origin: germline.
Comment: The p.V58G variant (also known as c.173T>G), located in coding exon 3 of the SDHA gene, results from a T to G substitution at nucleotide position 173. The valine at codon 58 is replaced by glycine, an amino acid with dissimilar properties. This amino acid position is highly conserved in available vertebrate species. In addition, this alteration is predicted to be deleterious by in silico analysis. Since supporting evidence is limited at this time, the clinical significance of this alteration remains unclear.